The following is an entry in ClinVar:

NM_005050.4(ABCD4):c.448G>A (p.Val150Met)

Gene: ABCD4 (ATP binding cassette subfamily D member 4; minus strand). Cytogenetic location: 14q24.3.
Variant type: single nucleotide variant.
Coding change: c.448G>A on transcript NM_005050.4 (MANE Select); coding-DNA position 448, G replaced by A.
Protein change: p.Val150Met; replaces valine 150 with methionine.
Molecular consequence: missense variant. On other transcripts: 5 prime UTR variant (14), non-coding transcript variant (10), synonymous variant (3).
Genome position (GRCh38, 1-based): chr14:74,296,427, C>T on the plus strand (G>A on the coding strand, the complement: ABCD4 is on the minus strand). VCF-style: chr14-74296427-C-T. GRCh37 (hg19) VCF-style: chr14-74763130-C-T.
Other names: c.-30G>A (NM_001353598.2, NM_001353599.2, NM_001353600.2 and 2 more transcripts); c.-242G>A (NM_001353602.2, NM_001353608.2); c.-247G>A (NM_001353603.2, NM_001353604.2, NM_001353605.2 and 4 more transcripts); c.448G>A, p.Val150Met (NM_020325.3, NM_001353591.2, NM_001353592.2); c.187G>A, p.Val63Met (NM_001353593.2, NM_001353594.2); c.39G>A, p.Thr13= (NM_001353595.2, NM_001353596.2, NM_001353597.2); short protein forms V63M, V150M.
Identifiers: ClinVar variation 1427986 (VCV001427986.7), dbSNP rs574925291, ClinGen allele CA7267209.

ClinVar aggregate classification (germline): Uncertain significance (1 of 4 stars; one submission).

Conditions:
Methylmalonic acidemia with homocystinuria, type cblJ (MAHCJ). Also called: METHYLMALONIC ACIDURIA AND HOMOCYSTINURIA, cblJ TYPE. Identifiers: Orphanet 369955, MedGen C3553915, MONDO:0013925, OMIM 614857.

Allele frequency attached by ClinVar (database versions not stated): ExAC 0.00006; 1000 Genomes Project 30x 0.00016; 1000 Genomes Project 0.00020.
gnomAD v4.1: 90 of 1,614,092 alleles (0.0056%); highest among the groups gnomAD compares: South Asian, 0.019%; no homozygotes.

Submission:

Labcorp Genetics (formerly Invitae), Labcorp
Classification: Uncertain significance for Methylmalonic acidemia with homocystinuria, type cblJ. Last evaluated: 2020-11-20. Review status: criteria provided, single submitter. Criteria: Invitae Variant Classification Sherloc (09022015). Collection method: clinical testing. Allele origin: germline.
Comment: This sequence change replaces valine with methionine at codon 150 of the ABCD4 protein (p.Val150Met). The valine residue is highly conserved and there is a small physicochemical difference between valine and methionine. This variant is present in population databases (rs574925291, ExAC 0.04%). This variant has not been reported in the literature in individuals with ABCD4-related conditions. Algorithms developed to predict the effect of missense changes on protein structure and function are either unavailable or do not agree on the potential impact of this missense change (SIFT: "Deleterious"; PolyPhen-2: "Probably Damaging"; Align-GVGD: "Class C0"). In summary, the available evidence is currently insufficient to determine the role of this variant in disease. Therefore, it has been classified as a Variant of Uncertain Significance.